The following is an entry in ClinVar:

NM_004519.4(KCNQ3):c.710T>A (p.Met237Lys)

Gene: KCNQ3 (potassium voltage-gated channel subfamily Q member 3; minus strand). Cytogenetic location: 8q24.22.
Variant type: single nucleotide variant.
Coding change: c.710T>A on transcript NM_004519.4 (MANE Select); coding-DNA position 710, T replaced by A.
Protein change: p.Met237Lys; replaces methionine 237 with lysine.
Molecular consequence: missense variant.
Genome position (GRCh38, 1-based): chr8:132,180,224, A>T on the plus strand (T>A on the coding strand, the complement: KCNQ3 is on the minus strand). VCF-style: chr8-132180224-A-T. GRCh37 (hg19) VCF-style: chr8-133192471-A-T.
Other names: c.350T>A, p.Met117Lys (NM_001204824.2); short protein forms M117K, M237K.
Identifiers: ClinVar variation 2134180 (VCV002134180.4), dbSNP rs2536952593, ClinGen allele CA372290798.

ClinVar aggregate classification (germline): Pathogenic (1 of 4 stars; one submission).

Conditions:
Benign neonatal seizures. Also called: Benign neonatal familial convulsions; Convulsions benign familial neonatal dominant form; Autosomal dominant form of benign neonatal seizures; Benign familial neonatal seizures; Benign familial neonatal epilepsy. Identifiers: Orphanet 1949, MedGen C0220669, MONDO:0016027.

Submission:

Labcorp Genetics (formerly Invitae), Labcorp
Classification: Pathogenic for Benign neonatal seizures. Last evaluated: 2022-06-15. Review status: criteria provided, single submitter. Criteria: Invitae Variant Classification Sherloc (09022015). Collection method: clinical testing. Allele origin: germline.
Comment: For these reasons, this variant has been classified as Pathogenic. Advanced modeling of protein sequence and biophysical properties (such as structural, functional, and spatial information, amino acid conservation, physicochemical variation, residue mobility, and thermodynamic stability) performed at Invitae indicates that this missense variant is expected to disrupt KCNQ3 protein function. This missense change has been observed in individual(s) with clinical features of autosomal dominant KCNQ3-related conditions (Invitae). In at least one individual the variant was observed to be de novo. This variant is not present in population databases (gnomAD no frequency). This sequence change replaces methionine, which is neutral and non-polar, with lysine, which is basic and polar, at codon 237 of the KCNQ3 protein (p.Met237Lys).